The following is an entry in ClinVar:

ClinVar aggregate classification (germline): Uncertain significance (1 of 4 stars; one submission).

gnomAD v4.1: 5 of 1,606,342 alleles (0.00031%); highest among the groups gnomAD compares: Non-Finnish European, 0.00042%; no homozygotes.

Submission:

Labcorp Genetics (formerly Invitae), Labcorp
Classification: Uncertain significance. Last evaluated: 2025-05-19. Review status: criteria provided, single submitter. Criteria: Invitae Variant Classification Sherloc (09022015). Collection method: clinical testing. Allele origin: germline.
Comment: This sequence change falls in intron 15 of the FOCAD gene. It does not directly change the encoded amino acid sequence of the FOCAD protein. This variant is present in population databases (no rsID available, gnomAD 0.002%). This variant has not been reported in the literature in individuals affected with FOCAD-related conditions. Algorithms developed to predict the effect of sequence changes on RNA splicing suggest that this variant may disrupt the consensus splice site. In summary, the available evidence is currently insufficient to determine the role of this variant in disease. Therefore, it has been classified as a Variant of Uncertain Significance.

NM_001375567.1(FOCAD):c.1663-7T>A

Gene: FOCAD (focadhesin; plus strand). Cytogenetic location: 9p21.3.
Variant type: single nucleotide variant.
Coding change: c.1663-7T>A on transcript NM_001375567.1 (MANE Select); 7 bases into the intron before coding-DNA position 1663, T replaced by A.
Molecular consequence: intron variant.
Genome position (GRCh38, 1-based): chr9:20,820,934, T>A. VCF-style: chr9-20820934-T-A. GRCh37 (hg19) VCF-style: chr9-20820933-T-A.
Other names: c.1663-7T>A (NM_017794.5); c.1558-7T>A (NM_001375568.1, NM_001375570.1).
Identifiers: ClinVar variation 4799371 (VCV004799371.1).